The following is an entry in ClinVar:

NM_002241.5(KCNJ10):c.557T>A (p.Val186Asp)

Gene: KCNJ10 (potassium inwardly rectifying channel subfamily J member 10; minus strand). Cytogenetic location: 1q23.2.
Variant type: single nucleotide variant.
Coding change: c.557T>A on transcript NM_002241.5 (MANE Select); coding-DNA position 557, T replaced by A.
Protein change: p.Val186Asp; replaces valine 186 with aspartic acid.
Molecular consequence: missense variant.
Genome position (GRCh38, 1-based): chr1:160,041,976, A>T on the plus strand (T>A on the coding strand, the complement: KCNJ10 is on the minus strand). VCF-style: chr1-160041976-A-T. GRCh37 (hg19) VCF-style: chr1-160011766-A-T.
Other names: short protein forms V186D.
Identifiers: ClinVar variation 3648344 (VCV003648344.2).

ClinVar aggregate classification (germline): Uncertain significance (1 of 4 stars; one submission).

Conditions:
EAST syndrome (SESAMES). Also called: SEIZURES, SENSORINEURAL DEAFNESS, ATAXIA, IMPAIRED INTELLECTUAL DEVELOPMENT, AND ELECTROLYTE IMBALANCE. Identifiers: Orphanet 199343, MedGen C2748572, MONDO:0013005, OMIM 612780.

Submission:

Labcorp Genetics (formerly Invitae), Labcorp
Classification: Uncertain significance for EAST syndrome. Last evaluated: 2024-06-09. Review status: criteria provided, single submitter. Criteria: Invitae Variant Classification Sherloc (09022015). Collection method: clinical testing. Allele origin: germline.
Comment: This sequence change replaces valine, which is neutral and non-polar, with aspartic acid, which is acidic and polar, at codon 186 of the KCNJ10 protein (p.Val186Asp). This variant is not present in population databases (gnomAD no frequency). This variant has not been reported in the literature in individuals affected with KCNJ10-related conditions. Advanced modeling of protein sequence and biophysical properties (such as structural, functional, and spatial information, amino acid conservation, physicochemical variation, residue mobility, and thermodynamic stability) performed at Invitae indicates that this missense variant is expected to disrupt KCNJ10 protein function with a positive predictive value of 80%. In summary, the available evidence is currently insufficient to determine the role of this variant in disease. Therefore, it has been classified as a Variant of Uncertain Significance.